The following is an entry in ClinVar:

ClinVar aggregate classification (germline): Uncertain significance. Review status: criteria provided, multiple submitters, no conflicts (2 of 4 stars). 2 submissions from 2 submitters: Uncertain significance (2). Last evaluated 2023-08-08.

Conditions:
Inborn genetic diseases. Identifiers: MedGen C0950123, MeSH D030342.
Orthostatic hypotension 1 (ORTHYP1). Also called: Dopamine beta-hydroxylase deficiency; Orthostatic hypotension 1, due to DBH deficiency; NORADRENALINE DEFICIENCY; NOREPINEPHRINE DEFICIENCY. Identifiers: Orphanet 230, MedGen C4746777, MONDO:0009123, OMIM 223360.

gnomAD v4.1: 15 of 1,613,620 alleles (0.00093%); highest among the groups gnomAD compares: African/African-American, 0.004%; no homozygotes.

Submissions (2):

Ambry Genetics
Classification: Uncertain significance for Inborn genetic diseases. Last evaluated: 2023-08-08. Review status: criteria provided, single submitter. Criteria: Ambry Variant Classification Scheme 2023. Collection method: clinical testing. Allele origin: germline.

Labcorp Genetics (formerly Invitae), Labcorp
Classification: Uncertain significance for Orthostatic hypotension 1. Last evaluated: 2022-03-17. Review status: criteria provided, single submitter. Criteria: Invitae Variant Classification Sherloc (09022015). Collection method: clinical testing. Allele origin: germline.
Comment: This sequence change replaces valine, which is neutral and non-polar, with phenylalanine, which is neutral and non-polar, at codon 453 of the DBH protein (p.Val453Phe). This variant is present in population databases (rs773664185, gnomAD 0.003%). This variant has not been reported in the literature in individuals affected with DBH-related conditions. Algorithms developed to predict the effect of missense changes on protein structure and function (SIFT, PolyPhen-2, Align-GVGD) all suggest that this variant is likely to be tolerated. In summary, the available evidence is currently insufficient to determine the role of this variant in disease. Therefore, it has been classified as a Variant of Uncertain Significance.

NM_000787.4(DBH):c.1357G>T (p.Val453Phe)

Gene: DBH (dopamine beta-hydroxylase; plus strand). Cytogenetic location: 9q34.2.
Variant type: single nucleotide variant.
Coding change: c.1357G>T on transcript NM_000787.4 (MANE Select); coding-DNA position 1357, G replaced by T.
Protein change: p.Val453Phe; replaces valine 453 with phenylalanine.
Molecular consequence: missense variant.
Genome position (GRCh38, 1-based): chr9:133,652,267, G>T. VCF-style: chr9-133652267-G-T. GRCh37 (hg19) VCF-style: chr9-136517389-G-T.
Other names: c.1357G>T (NM_000787.3); short protein forms V453F.
Identifiers: ClinVar variation 1938326 (VCV001938326.6), dbSNP rs773664185, ClinGen allele CA5313462.